The following is an entry in ClinVar:

NM_001040108.2(MLH3):c.4006C>A (p.Leu1336Met)

Gene: MLH3 (mutL homolog 3; minus strand). Cytogenetic location: 14q24.3.
Variant type: single nucleotide variant.
Coding change: c.4006C>A on transcript NM_001040108.2 (MANE Select); coding-DNA position 4006, C replaced by A.
Protein change: p.Leu1336Met; replaces leucine 1336 with methionine.
Molecular consequence: missense variant.
Genome position (GRCh38, 1-based): chr14:75,023,000, G>T on the plus strand (C>A on the coding strand, the complement: MLH3 is on the minus strand). VCF-style: chr14-75023000-G-T. GRCh37 (hg19) VCF-style: chr14-75489703-G-T.
Other names: c.3934C>A, p.Leu1312Met (NM_014381.3); short protein forms L1312M, L1336M.
Identifiers: ClinVar variation 3295112 (VCV003295112.1).

ClinVar aggregate classification (germline): Uncertain significance (1 of 4 stars; one submission).

Submission:

Ambry Genetics
Classification: Uncertain significance. Last evaluated: 2024-04-18. Review status: criteria provided, single submitter. Criteria: Ambry Variant Classification Scheme 2023. Collection method: clinical testing. Allele origin: germline.
Comment: The p.L1336M variant (also known as c.4006C>A), located in coding exon 9 of the MLH3 gene, results from a C to A substitution at nucleotide position 4006. The leucine at codon 1336 is replaced by methionine, an amino acid with highly similar properties. This amino acid position is conserved. In addition, this alteration is predicted to be tolerated by in silico analysis. Based on the available evidence, the clinical significance of this variant remains unclear.